The following is an entry in ClinVar:

NM_001082486.2(ACD):c.1292C>T (p.Ala431Val)

Gene: ACD (ACD shelterin complex subunit and telomerase recruitment factor; minus strand). Cytogenetic location: 16q22.1.
Variant type: single nucleotide variant.
Coding change: c.1292C>T on transcript NM_001082486.2 (MANE Select); coding-DNA position 1292, C replaced by T.
Protein change: p.Ala431Val; replaces alanine 431 with valine.
Molecular consequence: missense variant.
Genome position (GRCh38, 1-based): chr16:67,657,768, G>A on the plus strand (C>T on the coding strand, the complement: ACD is on the minus strand). VCF-style: chr16-67657768-G-A. GRCh37 (hg19) VCF-style: chr16-67691671-G-A.
Other names: c.1205C>T, p.Ala402Val (NM_001410884.1); c.1283C>T, p.Ala428Val (NM_022914.3); short protein forms A431V, A402V, A428V.
Identifiers: ClinVar variation 1775047 (VCV001775047.3), dbSNP rs2543596599, ClinGen allele CA396349791.

ClinVar aggregate classification (germline): Uncertain significance. Review status: criteria provided, multiple submitters, no conflicts (2 of 4 stars). 2 submissions from 2 submitters: Uncertain significance (2). Last evaluated 2025-10-18.

Conditions:
Inborn genetic diseases. Identifiers: MedGen C0950123, MeSH D030342.
Dyskeratosis congenita, autosomal dominant 6 (DKCA6). Identifiers: Orphanet 3322, MedGen C4225284, MONDO:0014690, OMIM 616553.

Allele frequency attached by ClinVar (database versions not stated): gnomAD exomes below 0.00001.
gnomAD v4.1: 7 of 1,614,062 alleles (0.00043%); highest among the groups gnomAD compares: Non-Finnish European, 0.00051%; no homozygotes.

Submissions (2):

Labcorp Genetics (formerly Invitae), Labcorp
Classification: Uncertain significance for Dyskeratosis congenita, autosomal dominant 6. Last evaluated: 2025-10-18. Review status: criteria provided, single submitter. Criteria: Invitae Variant Classification Sherloc (09022015). Collection method: clinical testing. Allele origin: germline.
Comment: This sequence change replaces alanine, which is neutral and non-polar, with valine, which is neutral and non-polar, at codon 517 of the ACD protein (p.Ala517Val). This variant is not present in population databases (gnomAD no frequency). This variant has not been reported in the literature in individuals affected with ACD-related conditions. ClinVar contains an entry for this variant (Variation ID: 1775047). Invitae Evidence Modeling of protein sequence and biophysical properties (such as structural, functional, and spatial information, amino acid conservation, physicochemical variation, residue mobility, and thermodynamic stability) indicates that this missense variant is expected to disrupt ACD protein function with a positive predictive value of 80%. In summary, the available evidence is currently insufficient to determine the role of this variant in disease. Therefore, it has been classified as a Variant of Uncertain Significance.

Ambry Genetics
Classification: Uncertain significance for Inborn genetic diseases. Last evaluated: 2023-09-25. Review status: criteria provided, single submitter. Criteria: Ambry Variant Classification Scheme 2023. Collection method: clinical testing. Allele origin: germline.
Comment: The p.A517V variant (also known as c.1550C>T), located in coding exon 11 of the ACD gene, results from a C to T substitution at nucleotide position 1550. The alanine at codon 517 is replaced by valine, an amino acid with similar properties. This amino acid position is conserved. In addition, this alteration is predicted to be tolerated by in silico analysis. Since supporting evidence is limited at this time, the clinical significance of this alteration remains unclear.